The following is an entry in ClinVar:

ClinVar aggregate classification (germline): Conflicting classifications of pathogenicity. Review status: criteria provided, conflicting classifications (1 of 4 stars). 3 submissions from 3 submitters: Likely pathogenic (1); Uncertain significance (1); Likely benign (1). Last evaluated 2023-05-11.

Conditions:
Familial X-linked hypophosphatemic vitamin D refractory rickets (XLHRD). Also called: X-Linked Hypophosphatemia; HYPOPHOSPHATEMIC VITAMIN D-RESISTANT RICKETS; Hypophosphatemia, vitamin D-resistant rickets; Vitamin D-resistant rickets, X-linked; Hypophosphatemic Rickets, X-Linked Dominant. Identifiers: Orphanet 89936, MedGen C0733682, MONDO:0010619, OMIM 307800.
Hypophosphatemic rickets. Identifiers: MedGen C1704375, MeSH D063730, MONDO:0024300, HP:0004912.

Allele frequency attached by ClinVar (database versions not stated): TOPMed 0.00001; gnomAD 0.00005; gnomAD exomes 0.00009 and 0.00017; 1000 Genomes Project 30x 0.00021; ExAC 0.00021; 1000 Genomes Project 0.00026.
gnomAD v4.1: 100 of 1,208,053 alleles (0.0083%); highest among the groups gnomAD compares: South Asian, 0.17%; no homozygotes.

Submissions (3):

Blueprint Genetics
Classification: Likely benign. Last evaluated: 2023-05-11. Review status: criteria provided, single submitter. Criteria: ACMG Guidelines, 2015. Collection method: clinical testing. Allele origin: germline.

Department of Pathology and Laboratory Medicine, Sinai Health System
Classification: Uncertain significance for Familial X-linked hypophosphatemic vitamin D refractory rickets. Last evaluated: 2023-03-30. Review status: criteria provided, single submitter. Criteria: ACMG Guidelines, 2015. Collection method: research. Allele origin: germline.

Laboratory of Cyto-molecular Genetics, Department of Anatomy, All India Institute of Medical Sciences (AIIMS), New Delhi
Classification: Likely pathogenic for Hypophosphatemic rickets. Last evaluated: 2022-03-07. Review status: criteria provided, single submitter. Criteria: ACMG Guidelines, 2015. Collection method: clinical testing. Allele origin: germline. Affected: yes. Observed: 2 variant alleles.
Comment: p.(Ala730Ser); missense variant

Literature cited by the submitters: PubMed 35738466 (cited by Laboratory of Cyto-molecular Genetics, Department of Anatomy, All India Institute of Medical Sciences (AIIMS), New Delhi).

NM_000444.6(PHEX):c.2188G>T (p.Ala730Ser)

Genes: PHEX (phosphate regulating endopeptidase X-linked; plus strand), PTCHD1-AS (PTCHD1 and PHEX antisense RNA; minus strand). Cytogenetic location: Xp22.11.
Variant type: single nucleotide variant.
Coding change: c.2188G>T on transcript NM_000444.6 (MANE Select); coding-DNA position 2188, G replaced by T.
Protein change: p.Ala730Ser; replaces alanine 730 with serine.
Molecular consequence: missense variant. On other transcripts: 3 prime UTR variant (1).
Genome position (GRCh38, 1-based): chrX:22,247,891, G>T. VCF-style: chrX-22247891-G-T. GRCh37 (hg19) VCF-style: chrX-22266008-G-T.
Other names: c.*23G>T (NM_001282754.2); short protein forms A730S.
Identifiers: ClinVar variation 1343094 (VCV001343094.5), dbSNP rs752729907, ClinGen allele CA10368466.